The following is an entry in ClinVar:

ClinVar aggregate classification (germline): Uncertain significance. Review status: criteria provided, multiple submitters, no conflicts (2 of 4 stars). 2 submissions from 2 submitters: Uncertain significance (2). Last evaluated 2026-03-27.

Conditions:
Cardiovascular phenotype. Identifiers: MedGen CN230736.
Distal myopathy with posterior leg and anterior hand involvement. Also called: WILLIAMS DISTAL MYOPATHY. Identifiers: Orphanet 63273, MedGen C3279722, MONDO:0013550, OMIM 614065.
Myofibrillar myopathy 5. Also called: Filaminopathy (type); FILAMINOPATHY, AUTOSOMAL DOMINANT. Identifiers: Orphanet 171445, MedGen C1836050, MONDO:0012289, OMIM 609524.
Hypertrophic cardiomyopathy 26. Also called: Cardiomyopathy, familial hypertrophic, 26. Identifiers: Orphanet 75249, MedGen C4310749, MONDO:0014883, OMIM 617047.

Submissions (2):

Molecular Diagnostic Laboratory for Inherited Cardiovascular Disease, Montreal Heart Institute
Classification: Uncertain significance for Cardiovascular phenotype. Last evaluated: 2026-03-27. Review status: criteria provided, single submitter. Criteria: ACMG Guidelines, 2015. Collection method: clinical testing. Allele origin: germline. Affected: yes.
Comment: PVS1_mod, PM2

Labcorp Genetics (formerly Invitae), Labcorp
Classification: Uncertain significance for Distal myopathy with posterior leg and anterior hand involvement; Myofibrillar myopathy 5; Hypertrophic cardiomyopathy 26. Last evaluated: 2025-02-28. Review status: criteria provided, single submitter. Criteria: Invitae Variant Classification Sherloc (09022015). Collection method: clinical testing. Allele origin: germline.
Comment: This sequence change replaces glycine, which is neutral and non-polar, with arginine, which is basic and polar, at codon 2070 of the FLNC protein (p.Gly2070Arg). This variant also falls at the last nucleotide of exon 37, which is part of the consensus splice site for this exon. This variant is not present in population databases (gnomAD no frequency). This variant has not been reported in the literature in individuals affected with FLNC-related conditions. An algorithm developed to predict the effect of missense changes on protein structure and function (PolyPhen-2) suggests that this variant is likely to be disruptive. Variants that disrupt the consensus splice site are a relatively common cause of aberrant splicing (PMID: 17576681, 9536098). Algorithms developed to predict the effect of sequence changes on RNA splicing suggest that this variant may disrupt the consensus splice site. In summary, the available evidence is currently insufficient to determine the role of this variant in disease. Therefore, it has been classified as a Variant of Uncertain Significance.

Literature cited by the submitters: PubMed 17576681 (cited by Labcorp Genetics (formerly Invitae), Labcorp); PubMed 9536098 (cited by Labcorp Genetics (formerly Invitae), Labcorp).

NM_001458.5(FLNC):c.6208G>C (p.Gly2070Arg)

Genes: FLNC (filamin C; plus strand), FLNC-AS1 (FLNC antisense RNA 1; minus strand). Cytogenetic location: 7q32.1.
Variant type: single nucleotide variant.
Coding change: c.6208G>C on transcript NM_001458.5 (MANE Select); coding-DNA position 6208, G replaced by C.
Protein change: p.Gly2070Arg; replaces glycine 2070 with arginine.
Molecular consequence: missense variant.
Genome position (GRCh38, 1-based): chr7:128,853,031, G>C. VCF-style: chr7-128853031-G-C. GRCh37 (hg19) VCF-style: chr7-128493085-G-C.
Other names: c.6109G>C, p.Gly2037Arg (NM_001127487.2); short protein forms G2037R, G2070R.
Identifiers: ClinVar variation 4812460 (VCV004812460.2).